The following is an entry in ClinVar:

ClinVar aggregate classification (germline): Pathogenic (1 of 4 stars; one submission).

Submission:

ISCA Site 6
Classification: Pathogenic. Last evaluated: 2011-08-12. Review status: criteria provided, single submitter. Criteria: Kaminsky et al. (Genet Med. 2011). Collection method: clinical testing. Allele origin: unknown. Affected: yes. Observed: 1 variant allele.
Comment: Copy number variation identified through the course of routine clinical cytogenomic testing in postnatal populations. Clinical assertions have been curated as described in Kaminsky et al. 2011.

GRCh38/hg38 9p24.3-23(chr9:195399-11081440)x1

Genes: AK3 (adenylate kinase 3; minus strand), BRD10 (bromodomain containing 10; minus strand), CD274 (CD274 molecule; plus strand), CDC37L1 (cell division cycle 37 like 1, HSP90 cochaperone; plus strand), CDC37L1-DT (CDC37L1 divergent transcript; minus strand) and 233 more. Cytogenetic location: 9p24.3-23.
Variant type: copy number loss.
Change: copy number 1 (one copy instead of two) of chr9:195,399-11,081,440 (10.89 Mb, GRCh38 coordinates, 1-based), cytogenetic band 9p24.3-23.
Identifiers: ClinVar variation 60416 (VCV000060416.2).